The following is an entry in ClinVar:

NM_004100.5(EYA4):c.437+3A>G

Gene: EYA4 (EYA transcriptional coactivator and phosphatase 4; plus strand). Cytogenetic location: 6q23.2.
Variant type: single nucleotide variant.
Coding change: c.437+3A>G on transcript NM_004100.5 (MANE Select); 3 bases into the intron after coding-DNA position 437, A replaced by G.
Molecular consequence: intron variant.
Genome position (GRCh38, 1-based): chr6:133,461,183, A>G. VCF-style: chr6-133461183-A-G. GRCh37 (hg19) VCF-style: chr6-133782321-A-G.
Other names: c.437+3A>G (NM_001301013.2, NM_172105.4); c.368+3A>G (NM_001370458.1, NM_172103.4); c.275+3A>G (NM_001370459.1, NM_001301012.2).
Identifiers: ClinVar variation 1975532 (VCV001975532.5), dbSNP rs778942584, ClinGen allele CA4008060.

ClinVar aggregate classification (germline): Uncertain significance (1 of 4 stars; one submission).

Conditions:
Dilated cardiomyopathy 1J (CMD1J). Also called: CARDIOMYOPATHY, DILATED, WITH SENSORINEURAL HEARING LOSS, AUTOSOMAL DOMINANT. Identifiers: Orphanet 217622, MedGen C1854368, MONDO:0011541, OMIM 605362.

Allele frequency attached by ClinVar (database versions not stated): gnomAD exomes below 0.00001; gnomAD 0.00001; ExAC 0.00002.
gnomAD v4.1: 5 of 1,607,618 alleles (0.00031%); highest among the groups gnomAD compares: Non-Finnish European, 0.00043%; no homozygotes.

Submission:

Labcorp Genetics (formerly Invitae), Labcorp
Classification: Uncertain significance for Dilated cardiomyopathy 1J. Last evaluated: 2023-03-07. Review status: criteria provided, single submitter. Criteria: Invitae Variant Classification Sherloc (09022015). Collection method: clinical testing. Allele origin: germline.
Comment: ClinVar contains an entry for this variant (Variation ID: 1975532). This variant has not been reported in the literature in individuals affected with EYA4-related conditions. This variant is present in population databases (rs778942584, gnomAD 0.002%). This sequence change falls in intron 7 of the EYA4 gene. It does not directly change the encoded amino acid sequence of the EYA4 protein. It affects a nucleotide within the consensus splice site. Variants that disrupt the consensus splice site are a relatively common cause of aberrant splicing (PMID: 17576681, 9536098). Algorithms developed to predict the effect of sequence changes on RNA splicing suggest that this variant may disrupt the consensus splice site. In summary, the available evidence is currently insufficient to determine the role of this variant in disease. Therefore, it has been classified as a Variant of Uncertain Significance.

Literature cited by the submitters: PubMed 17576681; PubMed 9536098.